The following is an entry in ClinVar:

NM_000268.4(NF2):c.142G>A (p.Asp48Asn)

Gene: NF2 (NF2, moesin-ezrin-radixin like (MERLIN) tumor suppressor; plus strand). Cytogenetic location: 22q12.2.
Variant type: single nucleotide variant.
Coding change: c.142G>A on transcript NM_000268.4 (MANE Select); coding-DNA position 142, G replaced by A.
Protein change: p.Asp48Asn; replaces aspartic acid 48 with asparagine.
Molecular consequence: missense variant. On other transcripts: non-coding transcript variant (1), intron variant (3).
Genome position (GRCh38, 1-based): chr22:29,636,778, G>A. VCF-style: chr22-29636778-G-A. GRCh37 (hg19) VCF-style: chr22-30032767-G-A.
Other names: c.142G>A, p.Asp48Asn (NM_016418.5, NM_181825.3, NM_181829.3 and 2 more transcripts); c.115-2312G>A (NM_181828.3); c.115-5424G>A (NM_181830.3, NM_181831.3); short protein forms D48N.
Identifiers: ClinVar variation 844896 (VCV000844896.14), dbSNP rs1352608076, ClinGen allele CA411152472.

ClinVar aggregate classification (germline): Uncertain significance. Review status: criteria provided, multiple submitters, no conflicts (2 of 4 stars). 3 submissions from 3 submitters: Uncertain significance (3). Last evaluated 2024-03-18.

Conditions:
Neurofibromatosis, type 2 (SWNV). Also called: BILATERAL ACOUSTIC NEUROFIBROMATOSIS; SCHWANNOMATOSIS, VESTIBULAR; NF2-Related Schwannomatosis. Identifiers: Orphanet 637, MedGen C0027832, MONDO:0007039, OMIM 101000. Disease mechanism: loss of function.
Hereditary cancer-predisposing syndrome. Also called: Tumor predisposition; Hereditary Cancer Syndrome; Hereditary neoplastic syndrome; Neoplastic Syndromes, Hereditary. Identifiers: Orphanet 140162, MedGen C0027672, MeSH D009386, MONDO:0015356.

Allele frequency attached by ClinVar (database versions not stated): TOPMed below 0.00001; gnomAD 0.00001; gnomAD exomes 0.00001.
gnomAD v4.1: 9 of 1,614,058 alleles (0.00056%); highest among the groups gnomAD compares: Non-Finnish European, 0.00076%; no homozygotes.

Submissions (3):

Ambry Genetics
Classification: Uncertain significance for Hereditary cancer-predisposing syndrome. Last evaluated: 2024-03-18. Review status: criteria provided, single submitter. Criteria: Ambry Variant Classification Scheme 2023. Collection method: clinical testing. Allele origin: germline.
Comment: The p.D48N variant (also known as c.142G>A), located in coding exon 2 of the NF2 gene, results from a G to A substitution at nucleotide position 142. The aspartic acid at codon 48 is replaced by asparagine, an amino acid with highly similar properties. This amino acid position is highly conserved in available vertebrate species. In addition, this alteration is predicted to be tolerated by in silico analysis. Since supporting evidence is limited at this time, the clinical significance of this alteration remains unclear.

All of Us Research Program, National Institutes of Health
Classification: Uncertain significance for Neurofibromatosis, type 2. Last evaluated: 2023-04-10. Review status: criteria provided, single submitter. Criteria: ACMG Guidelines, 2015. Collection method: clinical testing. Allele origin: germline. Inheritance: Autosomal dominant inheritance. Observed: 1 variant allele, 1 heterozygote.
Comment: This missense variant replaces aspartic acid with asparagine at codon 48 of the NF2 protein. Computational prediction suggests that this variant may not impact protein structure and function (internally defined REVEL score threshold <= 0.5, PMID: 27666373). To our knowledge, functional studies have not been reported for this variant. This variant has not been reported in individuals affected with NF2-related disorders in the literature. This variant has not been identified in the general population by the Genome Aggregation Database (gnomAD). The available evidence is insufficient to determine the role of this variant in disease conclusively. Therefore, this variant is classified as a Variant of Uncertain Significance.

This study involves interpretation of variants in research participants for the purpose of population health screening. Participant phenotype was not available at the time of variant classification. Additional details can be found in publication PMID: 35346344, PMCID: PMC8962531

Labcorp Genetics (formerly Invitae), Labcorp
Classification: Uncertain significance for Neurofibromatosis, type 2. Last evaluated: 2020-11-23. Review status: criteria provided, single submitter. Criteria: Invitae Variant Classification Sherloc (09022015). Collection method: clinical testing. Allele origin: germline.
Comment: This sequence change replaces aspartic acid with asparagine at codon 48 of the NF2 protein (p.Asp48Asn). The aspartic acid residue is highly conserved and there is a small physicochemical difference between aspartic acid and asparagine. This variant is not present in population databases (ExAC no frequency). This variant has not been reported in the literature in individuals with NF2-related conditions. Algorithms developed to predict the effect of missense changes on protein structure and function are either unavailable or do not agree on the potential impact of this missense change (SIFT: "Deleterious"; PolyPhen-2: "Possibly Damaging"; Align-GVGD: "Class C0"). In summary, the available evidence is currently insufficient to determine the role of this variant in disease. Therefore, it has been classified as a Variant of Uncertain Significance.